The following is an entry in ClinVar:

ClinVar aggregate classification (germline): Likely benign. Review status: criteria provided, multiple submitters, no conflicts (2 of 4 stars). 2 submissions from 2 submitters: Likely benign (2). Last evaluated 2025-06-12.

Conditions:
Von Hippel-Lindau syndrome (VHLS). Also called: von Hippel–Lindau syndrome; VHL syndrome; Von Hippel-Lindau. Identifiers: Orphanet 892, MedGen C0019562, MONDO:0008667, OMIM 193300. Disease mechanism: loss of function.
Chuvash polycythemia. Also called: POLYCYTHEMIA, VHL-DEPENDENT. Identifiers: Orphanet 238557, MedGen C1837915, MONDO:0009892, OMIM 263400.

Submissions (2):

Myriad Genetics, Inc.
Classification: Likely benign for Von Hippel-Lindau syndrome. Last evaluated: 2025-06-12. Review status: criteria provided, single submitter. Criteria: Myriad Autosomal Dominant, Autosomal Recessive and X-Linked Classification Criteria (2023). Collection method: clinical testing. Allele origin: unknown.
Comment: This variant is considered likely benign. This variant is intronic and is not expected to impact mRNA splicing.

Labcorp Genetics (formerly Invitae), Labcorp
Classification: Likely benign for Von Hippel-Lindau syndrome; Chuvash polycythemia. Last evaluated: 2024-03-30. Review status: criteria provided, single submitter. Criteria: Invitae Variant Classification Sherloc (09022015). Collection method: clinical testing. Allele origin: germline.

NM_000551.4(VHL):c.463+8C>G

Genes: VHL (von Hippel-Lindau tumor suppressor; plus strand), LOC107303340 (3p25 von Hippel-Lindau tumor suppressor, E3 ubiquitin protein ligase Alu-mediated recombination region; plus strand). Cytogenetic location: 3p25.3.
Variant type: single nucleotide variant.
Coding change: c.463+8C>G on transcript NM_000551.4 (MANE Select); 8 bases into the intron after coding-DNA position 463, C replaced by G.
Molecular consequence: intron variant.
Genome position (GRCh38, 1-based): chr3:10,146,644, C>G. VCF-style: chr3-10146644-C-G. GRCh37 (hg19) VCF-style: chr3-10188328-C-G.
Other names: c.*18-3143C>G (NM_001354723.2); c.341-3143C>G (NM_198156.3).
Identifiers: ClinVar variation 3763431 (VCV003763431.3).